The following is an entry in ClinVar:

NM_007315.4(STAT1):c.1166T>G (p.Val389Gly)

Gene: STAT1 (signal transducer and activator of transcription 1; minus strand). Cytogenetic location: 2q32.2.
Variant type: single nucleotide variant.
Coding change: c.1166T>G on transcript NM_007315.4 (MANE Select); coding-DNA position 1166, T replaced by G.
Protein change: p.Val389Gly; replaces valine 389 with glycine.
Molecular consequence: missense variant.
Genome position (GRCh38, 1-based): chr2:190,986,909, A>C on the plus strand (T>G on the coding strand, the complement: STAT1 is on the minus strand). VCF-style: chr2-190986909-A-C. GRCh37 (hg19) VCF-style: chr2-191851635-A-C.
Other names: c.1106T>G, p.Val369Gly (NM_001384880.1); c.1172T>G, p.Val391Gly (NM_001384881.1, NM_001384884.1); c.1160T>G, p.Val387Gly (NM_001384882.1); c.1067T>G, p.Val356Gly (NM_001384883.1); c.1007T>G, p.Val336Gly (NM_001384885.1); c.1166T>G, p.Val389Gly (NM_001384886.1, NM_001384889.1, NM_139266.3); c.1073T>G, p.Val358Gly (NM_001384887.1); c.1136T>G, p.Val379Gly (NM_001384888.1); and 2 more; short protein forms V389G, V336G, V356G, V358G, V359G, V369G, V379G, V387G.
Identifiers: ClinVar variation 860546 (VCV000860546.9), dbSNP rs1692876152, ClinGen allele CA349919074.
Genomic context (GRCh38, chr2:190,986,909, plus strand): 5'-CCTACCAGGTGCCGAAATTCAGCCGCCAGACTGCCATTGGTGGACTCCTCCATGTTCATC[A>C]CTTTTGTGTGCGTGCCCAAAATGTTGAACTTCCTAAATCTATACAATATAGGAAAGAAAT-3'
Protein context (NP_009330.1, residues 379-399): KFNILGTHTK[Val389Gly]MNMEESTNGS

ClinVar aggregate classification (germline): Likely pathogenic (1 of 4 stars; one submission).

Conditions:
Immunodeficiency 31B. Also called: STAT1 DEFICIENCY, AUTOSOMAL RECESSIVE; IMMUNODEFICIENCY 31B, MYCOBACTERIAL AND VIRAL INFECTIONS, AUTOSOMAL RECESSIVE. Identifiers: Orphanet 391311, MedGen C3151088, MONDO:0013427, OMIM 613796.
Autoimmune enteropathy and endocrinopathy - susceptibility to chronic infections syndrome. Also called: Immunodeficiency 31C, autosomal dominant; Immunodeficiency 31C. Identifiers: Orphanet 391487, MedGen C3279990, MONDO:0013599, OMIM 614162.
Mendelian susceptibility to mycobacterial diseases due to partial STAT1 deficiency. Also called: IMMUNODEFICIENCY 31A, MYCOBACTERIOSIS, AUTOSOMAL DOMINANT; STAT1 DEFICIENCY, AUTOSOMAL DOMINANT; Immunodeficiency 31a. Identifiers: Orphanet 319595, MedGen C4013950, MONDO:0013956, OMIM 614892.

Submission:

Labcorp Genetics (formerly Invitae), Labcorp
Classification: Likely pathogenic for Mendelian susceptibility to mycobacterial diseases due to partial STAT1 deficiency; Immunodeficiency 31B; Autoimmune enteropathy and endocrinopathy - susceptibility to chronic infections syndrome. Last evaluated: 2019-03-06. Review status: criteria provided, single submitter. Criteria: Invitae Variant Classification Sherloc (09022015). Collection method: clinical testing. Allele origin: germline.
Comment: This sequence change replaces valine with glycine at codon 389 of the STAT1 protein (p.Val389Gly). The valine residue is highly conserved and there is a moderate physicochemical difference between valine and glycine. This variant is not present in population databases (ExAC no frequency). Algorithms developed to predict the effect of missense changes on protein structure and function are either unavailable or do not agree on the potential impact of this missense change (SIFT: "Tolerated"; PolyPhen-2: "Probably Damaging"; Align-GVGD: "Class C0"). This variant disrupts the p.Val389 amino acid residue in STAT1. Other variant(s) that disrupt this residue have been observed in individuals with STAT1-related conditions (PMID: 27114460), which suggests that this may be a clinically significant amino acid residue. In summary, the currently available evidence indicates that the variant is pathogenic, but additional data are needed to prove that conclusively. Therefore, this variant has been classified as Likely Pathogenic.

Literature cited by the submitters: PubMed 27114460.